The following is an entry in ClinVar:

NM_001009944.3(PKD1):c.2544_2566del (p.Gln848fs)

Gene: PKD1 (polycystin 1, transient receptor potential channel interacting; minus strand). Cytogenetic location: 16p13.3.
Variant type: Deletion.
Coding change: c.2544_2566del on transcript NM_001009944.3 (MANE Select); coding-DNA positions 2544 to 2566, 23 bases deleted (GGTGGACTCTGGTGCCAACGCCA).
Protein change: p.Gln848fs; shifts the reading frame from glutamine 848.
Molecular consequence: frameshift variant.
Genome position (GRCh38, 1-based): chr16:2,114,457-2,114,479, TGGCGTTGGCACCAGAGTCCACC deleted on the plus strand (GGTGGACTCTGGTGCCAACGCCA on the coding strand, the reverse complement: PKD1 is on the minus strand); deleting any 23 consecutive bases within chr16:2,114,457-2,114,482 gives the same sequence; the c. name uses the placement nearest the transcript's 3' end. VCF-style (leftmost placement, unchanged base first): chr16-2114456-GTGGCGTTGGCACCAGAGTCCACC-G. GRCh37 (hg19) VCF-style: chr16-2164457-GTGGCGTTGGCACCAGAGTCCACC-G.
Other names: p.Gln848Hisfs*16; c.2544_2566del, p.Gln848fs (NM_000296.4); short protein forms Q848fs.
Identifiers: ClinVar variation 4541999 (VCV004541999.1).

ClinVar aggregate classification (germline): Likely pathogenic (1 of 4 stars; one submission).

Submission:

Mayo Clinic Laboratories, Mayo Clinic
Classification: Likely pathogenic. Last evaluated: 2025-07-01. Review status: criteria provided, single submitter. Criteria: ACMG Guidelines, 2015. Collection method: clinical testing. Allele origin: germline. Observed: 2 variant alleles.
Comment: PM2_supporting, PVS1